The following is an entry in ClinVar:

NM_018127.7(ELAC2):c.967A>G (p.Asn323Asp)

Gene: ELAC2 (elaC ribonuclease Z 2; minus strand). Cytogenetic location: 17p12.
Variant type: single nucleotide variant.
Coding change: c.967A>G on transcript NM_018127.7 (MANE Select); coding-DNA position 967, A replaced by G.
Protein change: p.Asn323Asp; replaces asparagine 323 with aspartic acid.
Molecular consequence: missense variant.
Genome position (GRCh38, 1-based): chr17:13,005,005, T>C on the plus strand (A>G on the coding strand, the complement: ELAC2 is on the minus strand). VCF-style: chr17-13005005-T-C. GRCh37 (hg19) VCF-style: chr17-12908322-T-C.
Other names: c.847A>G, p.Asn283Asp (NM_001165962.2); c.967A>G, p.Asn323Asp (NM_173717.2); short protein forms N323D, N283D.
Identifiers: ClinVar variation 1398280 (VCV001398280.5), dbSNP rs1305210872, ClinGen allele CA398226172.

ClinVar aggregate classification (germline): Uncertain significance (1 of 4 stars; one submission).

Conditions:
Combined oxidative phosphorylation defect type 17. Also called: Combined oxidative phosphorylation deficiency 17. Identifiers: Orphanet 369913, MedGen C3809526, MONDO:0014190, OMIM 615440.

Allele frequency attached by ClinVar (database versions not stated): gnomAD exomes below 0.00001 and 0.00001; TOPMed 0.00001.
gnomAD v4.1: 5 of 1,613,966 alleles (0.00031%); highest among the groups gnomAD compares: Admixed American, 0.0033%; no homozygotes.

Submission:

Labcorp Genetics (formerly Invitae), Labcorp
Classification: Uncertain significance for Combined oxidative phosphorylation defect type 17. Last evaluated: 2021-08-30. Review status: criteria provided, single submitter. Criteria: Invitae Variant Classification Sherloc (09022015). Collection method: clinical testing. Allele origin: germline.
Comment: This sequence change replaces asparagine with aspartic acid at codon 323 of the ELAC2 protein (p.Asn323Asp). The asparagine residue is moderately conserved and there is a small physicochemical difference between asparagine and aspartic acid. This variant is not present in population databases (ExAC no frequency). This variant has not been reported in the literature in individuals affected with ELAC2-related conditions. Algorithms developed to predict the effect of missense changes on protein structure and function are either unavailable or do not agree on the potential impact of this missense change (SIFT: "Tolerated"; PolyPhen-2: "Possibly Damaging"; Align-GVGD: "Class C0"). In summary, the available evidence is currently insufficient to determine the role of this variant in disease. Therefore, it has been classified as a Variant of Uncertain Significance.